The following is an entry in ClinVar:

ClinVar aggregate classification (germline): Pathogenic (1 of 4 stars; one submission).

Conditions:
Multiple endocrine neoplasia, type 1 (MEN1). Also called: MEA I; MEN I; WERMER SYNDROME; Endocrine adenomatosis multiple; MEN 1. Identifiers: Orphanet 652, MedGen C0025267, MeSH D018761, MONDO:0007540, OMIM 131100.

Submission:

Labcorp Genetics (formerly Invitae), Labcorp
Classification: Pathogenic for Multiple endocrine neoplasia, type 1. Last evaluated: 2023-07-25. Review status: criteria provided, single submitter. Criteria: Invitae Variant Classification Sherloc (09022015). Collection method: clinical testing. Allele origin: germline.
Comment: This sequence change creates a premature translational stop signal (p.Lys569Aspfs*27) in the MEN1 gene. While this is not anticipated to result in nonsense mediated decay, it is expected to disrupt the last 42 amino acid(s) of the MEN1 protein. This variant is not present in population databases (gnomAD no frequency). This variant has not been reported in the literature in individuals affected with MEN1-related conditions. This variant disrupts the NLS2 domain of the MEN1 protein, which is important for DNA binding and repression of cell proliferation (PMID: 15331604, 16449969). While functional studies have not been performed to directly test the effect of this variant on MEN1 protein function, this suggests that disruption of this region of the protein is causative of disease. This variant disrupts a region of the MEN1 protein in which other variant(s) (p.Glln578*) have been determined to be pathogenic (Invitae). This suggests that this is a clinically significant region of the protein, and that variants that disrupt it are likely to be disease-causing. For these reasons, this variant has been classified as Pathogenic.

Literature cited by the submitters: PubMed 15331604; PubMed 16449969.

NM_001370259.2(MEN1):c.1705_1706del (p.Lys569fs)

Gene: MEN1 (menin 1; minus strand). Cytogenetic location: 11q13.1.
Variant type: Deletion.
Coding change: c.1705_1706del on transcript NM_001370259.2 (MANE Select); coding-DNA positions 1705 to 1706, 2 bases deleted (AA; older notation c.1705_1706delAA).
Protein change: p.Lys569fs; shifts the reading frame from lysine 569.
Molecular consequence: frameshift variant. On other transcripts: non-coding transcript variant (4).
Genome position (GRCh38, 1-based): chr11:64,804,461-64,804,462, TT deleted on the plus strand (AA on the coding strand, the reverse complement: MEN1 is on the minus strand). VCF-style (leftmost placement, unchanged base first): chr11-64804460-CTT-C. GRCh37 (hg19) VCF-style: chr11-64571932-CTT-C.
Other names: c.1720_1721del, p.Lys574fs (NM_000244.4, NM_001407145.1, NM_130800.3 and 4 more transcripts); c.1831_1832del, p.Lys611fs (NM_001370251.2, NM_001407142.1, NM_001407143.1 and 1 more transcripts); c.1705_1706del, p.Lys569fs (NM_001370260.2, NM_001370261.2, NM_001407146.1 and 2 more transcripts); c.1600_1601del, p.Lys534fs (NM_001370262.2, NM_001370263.2, NM_001407148.1 and 1 more transcripts); c.1846_1847del, p.Lys616fs (NM_001407150.1); c.1726_1727del, p.Lys576fs (NM_001407151.1); c.1540_1541del, p.Lys514fs (NM_001407152.1); short protein forms K534fs, K574fs, K616fs, K576fs, K514fs, K569fs, K611fs.
Identifiers: ClinVar variation 2863013 (VCV002863013.3), dbSNP rs2497104441, ClinGen allele CA2739270480.
Genomic context (GRCh38, chr11:64,804,460, plus strand): 5'-CTTCTTCATCTGCACTTGCGACTGTGCCGTGAGTTGCAGCTTGATGGCGCTCGAGTTGAT[CTT>C]GGTGGCCACCAGCAGCTCCTTCATGCCCTTCATCTTCTCACTCTGGAAAGTGAGCACTGG-3'